The following is an entry in ClinVar:

NM_153704.6(TMEM67):c.91C>T (p.Pro31Ser)

Gene: TMEM67 (transmembrane protein 67; plus strand). Cytogenetic location: 8q22.1.
Variant type: single nucleotide variant.
Coding change: c.91C>T on transcript NM_153704.6 (MANE Select); coding-DNA position 91, C replaced by T.
Protein change: p.Pro31Ser; replaces proline 31 with serine.
Molecular consequence: missense variant. On other transcripts: non-coding transcript variant (1), intron variant (1).
Genome position (GRCh38, 1-based): chr8:93,755,005, C>T. VCF-style: chr8-93755005-C-T. GRCh37 (hg19) VCF-style: chr8-94767233-C-T.
Other names: c.-179-15C>T (NM_001142301.1); short protein forms P31S.
Identifiers: ClinVar variation 2634473 (VCV002634473.2), dbSNP rs747100363, ClinGen allele CA181304148.

ClinVar aggregate classification (germline): Uncertain significance (1 of 4 stars; one submission).

Conditions:
TMEM67-related disorder. Also called: TMEM67-related condition; TMEM67-related disorders. Identifiers: MedGen CN239423.

Allele frequency attached by ClinVar (database versions not stated): gnomAD exomes 0.00002.
gnomAD v4.1: 13 of 1,614,238 alleles (0.00081%); highest among the groups gnomAD compares: Non-Finnish European, 0.0011%; no homozygotes.

Submission:

PreventionGenetics, part of Exact Sciences
Classification: Uncertain significance for TMEM67-related condition. Last evaluated: 2025-03-09. Review status: criteria provided, single submitter. Criteria: ACMG Guidelines, 2015. Collection method: clinical testing. Allele origin: germline.
Comment: The TMEM67 c.91C>T variant is predicted to result in the amino acid substitution p.Pro31Ser. To our knowledge, this variant has not been reported in the literature or in a large population database (gnomAD), indicating this variant is rare. At this time, the clinical significance of this variant is uncertain due to the absence of conclusive functional and genetic evidence.